The following is an entry in ClinVar:

ClinVar aggregate classification (germline): Uncertain significance (1 of 4 stars; one submission).

Allele frequency attached by ClinVar (database versions not stated): TOPMed below 0.00001; gnomAD 0.00001.

Submission:

Labcorp Genetics (formerly Invitae), Labcorp
Classification: Uncertain significance. Last evaluated: 2024-01-19. Review status: criteria provided, single submitter. Criteria: Invitae Variant Classification Sherloc (09022015). Collection method: clinical testing. Allele origin: germline.
Comment: This sequence change replaces alanine, which is neutral and non-polar, with threonine, which is neutral and polar, at codon 2098 of the SNRNP200 protein (p.Ala2098Thr). This variant is not present in population databases (gnomAD no frequency). This variant has not been reported in the literature in individuals affected with SNRNP200-related conditions. ClinVar contains an entry for this variant (Variation ID: 1908503). Advanced modeling of protein sequence and biophysical properties (such as structural, functional, and spatial information, amino acid conservation, physicochemical variation, residue mobility, and thermodynamic stability) performed at Invitae indicates that this missense variant is not expected to disrupt SNRNP200 protein function with a negative predictive value of 80%. In summary, the available evidence is currently insufficient to determine the role of this variant in disease. Therefore, it has been classified as a Variant of Uncertain Significance.

NM_014014.5(SNRNP200):c.6292G>A (p.Ala2098Thr)

Gene: SNRNP200 (small nuclear ribonucleoprotein U5 subunit 200; minus strand). Cytogenetic location: 2q11.2.
Variant type: single nucleotide variant.
Coding change: c.6292G>A on transcript NM_014014.5 (MANE Select); coding-DNA position 6292, G replaced by A.
Protein change: p.Ala2098Thr; replaces alanine 2098 with threonine.
Molecular consequence: missense variant.
Genome position (GRCh38, 1-based): chr2:96,275,131, C>T on the plus strand (G>A on the coding strand, the complement: SNRNP200 is on the minus strand). VCF-style: chr2-96275131-C-T. GRCh37 (hg19) VCF-style: chr2-96940869-C-T.
Other names: short protein forms A2098T.
Identifiers: ClinVar variation 1908503 (VCV001908503.5), dbSNP rs1030892970, ClinGen allele CA52383852.
Genomic context (GRCh38, chr2:96,275,131, plus strand): 5'-GGTCACATCCCATGTAAGCGTCACTCATGAAGTACAGAGTGTAGTTGTGGGCACCAGTGG[C>T]TGGGGCCACAAAGTCCAACTTCACCTAGAAAGAGCAGGCAGAAATCAAGATGAGCATGGA-3'
Protein context (NP_054733.2, residues 2088-2108): AKVKLDFVAP[Ala2098Thr]TGAHNYTLYF